The following is an entry in ClinVar:

NM_001379200.1(TBX1):c.823G>A (p.Glu275Lys)

Gene: TBX1 (T-box transcription factor 1; plus strand). Cytogenetic location: 22q11.21.
Variant type: single nucleotide variant.
Coding change: c.823G>A on transcript NM_001379200.1 (MANE Select); coding-DNA position 823, G replaced by A.
Protein change: p.Glu275Lys; replaces glutamic acid 275 with lysine.
Molecular consequence: missense variant.
Genome position (GRCh38, 1-based): chr22:19,765,069, G>A. VCF-style: chr22-19765069-G-A. GRCh37 (hg19) VCF-style: chr22-19752592-G-A.
Other names: c.796G>A, p.Glu266Lys (NM_005992.1, NM_080646.2, NM_080647.1); short protein forms E266K, E275K.
Identifiers: ClinVar variation 934486 (VCV000934486.13), dbSNP rs144848597, ClinGen allele CA10102563.
Genomic context (GRCh38, chr22:19,765,069, plus strand): 5'-GTGGACCCACGCAAAGATAGCGAGAAATATGCCGAGGAGAACTTCAAAACCTTTGTGTTC[G>A]AGGAGACACGATTCACCGCGGTCACTGCCTACCAGAACCATCGGGTGAGGGCCTGTGGGG-3'
Protein context (NP_001366129.1, residues 265-285): AEENFKTFVF[Glu275Lys]ETRFTAVTAY

ClinVar aggregate classification (germline): Conflicting classifications of pathogenicity. Review status: criteria provided, conflicting classifications (1 of 4 stars). 3 submissions from 3 submitters: Uncertain significance (2); Likely benign (1). Last evaluated 2025-07-27.

Conditions:
DiGeorge syndrome. Also called: THIRD AND FOURTH PHARYNGEAL POUCH SYNDROME; Catch22. Identifiers: Orphanet 567, MedGen C0012236, MONDO:0008564, OMIM 188400.
Tetralogy of Fallot (TOF). Identifiers: Orphanet 3303, MedGen C0039685, MONDO:0008542, OMIM 187500, HP:0001636.
Conotruncal heart malformations (CTHM). Also called: Conotruncal heart malformations, variable. Identifiers: Orphanet 2445, Orphanet 3384, Orphanet 3426, MedGen C1857586, MONDO:0016581, OMIM 217095.
Velocardiofacial syndrome (VCFS). Also called: SHPRINTZEN VCF SYNDROME; VCF SYNDROME; Shprintzen syndrome. Identifiers: Orphanet 567, MedGen C0220704, MONDO:0008644, OMIM 192430. Disease mechanism: loss of function.

Allele frequency attached by ClinVar (database versions not stated): TOPMed 0.00017; 1000 Genomes Project 30x 0.00031; ESP Exome Variant Server 0.00031; 1000 Genomes Project 0.00040.
gnomAD v4.1: 63 of 1,614,218 alleles (0.0039%); highest among the groups gnomAD compares: African/African-American, 0.044%; no homozygotes.

Submissions (3):

Labcorp Genetics (formerly Invitae), Labcorp
Classification: Uncertain significance for DiGeorge syndrome. Last evaluated: 2025-07-27. Review status: criteria provided, single submitter. Criteria: Invitae Variant Classification Sherloc (09022015). Collection method: clinical testing. Allele origin: germline.
Comment: This sequence change replaces glutamic acid, which is acidic and polar, with lysine, which is basic and polar, at codon 266 of the TBX1 protein (p.Glu266Lys). This variant is present in population databases (rs144848597, gnomAD 0.05%), and has an allele count higher than expected for a pathogenic variant. This variant has not been reported in the literature in individuals affected with TBX1-related conditions. ClinVar contains an entry for this variant (Variation ID: 934486). Invitae Evidence Modeling of protein sequence and biophysical properties (such as structural, functional, and spatial information, amino acid conservation, physicochemical variation, residue mobility, and thermodynamic stability) indicates that this missense variant is not expected to disrupt TBX1 protein function with a negative predictive value of 80%. In summary, the available evidence is currently insufficient to determine the role of this variant in disease. Therefore, it has been classified as a Variant of Uncertain Significance.

GeneDx
Classification: Likely benign. Last evaluated: 2020-11-16. Review status: criteria provided, single submitter. Criteria: GeneDx Variant Classification Process June 2021. Collection method: clinical testing. Allele origin: germline. Affected: yes.
Comment: In silico analysis, which includes protein predictors and evolutionary conservation, supports that this variant does not alter protein structure/function; Has not been previously published as pathogenic or benign to our knowledge

Center for Genomics, Ann and Robert H. Lurie Children's Hospital of Chicago
Classification: Uncertain significance for Conotruncal heart malformations; DiGeorge syndrome; Tetralogy of Fallot; Velocardiofacial syndrome. Review status: criteria provided, single submitter. Criteria: ACMG Guidelines, 2015. Collection method: clinical testing. Allele origin: germline.
Comment: TBX1 NM_080647.1 exon 6 p.Glu266Lys (c.796G>A): This variant has not been reported in the literature but is present in 0.06% (10/15288) of Latino alleles in the Genome Aggregation Database. This variant is present in ClinVar (Variation ID:934486). Evolutionary conservation suggests that this variant may impact the protein; computational predictive tools for this variant are unclear. In summary, data on this variant is insufficient for disease classification. Therefore, the clinical significance of this variant is uncertain.